The following is an entry in ClinVar:

NM_001370259.2(MEN1):c.599G>A (p.Gly200Asp)

Gene: MEN1 (menin 1; minus strand). Cytogenetic location: 11q13.1.
Variant type: single nucleotide variant.
Coding change: c.599G>A on transcript NM_001370259.2 (MANE Select); coding-DNA position 599, G replaced by A.
Protein change: p.Gly200Asp; replaces glycine 200 with aspartic acid.
Molecular consequence: missense variant. On other transcripts: non-coding transcript variant (4), intron variant (5).
Genome position (GRCh38, 1-based): chr11:64,807,946, C>T on the plus strand (G>A on the coding strand, the complement: MEN1 is on the minus strand). VCF-style: chr11-64807946-C-T. GRCh37 (hg19) VCF-style: chr11-64575418-C-T.
Other names: c.599G>A, p.Gly200Asp (NM_001370260.2, NM_001370261.2, NM_001407142.1 and 7 more transcripts); c.614G>A, p.Gly205Asp (NM_001407150.1, NM_130800.3, NM_130801.3 and 5 more transcripts); c.549+50G>A (NM_001407148.1, NM_001407149.1, NM_001407151.1 and 2 more transcripts); short protein forms G200D, G205D.
Identifiers: ClinVar variation 3634206 (VCV003634206.2).

ClinVar aggregate classification (germline): Uncertain significance (1 of 4 stars; one submission).

Conditions:
Multiple endocrine neoplasia, type 1 (MEN1). Also called: MEN I; WERMER SYNDROME; Endocrine adenomatosis multiple; MEN 1; MEA I. Identifiers: Orphanet 652, MedGen C0025267, MeSH D018761, MONDO:0007540, OMIM 131100.

Submission:

Labcorp Genetics (formerly Invitae), Labcorp
Classification: Uncertain significance for Multiple endocrine neoplasia, type 1. Last evaluated: 2024-02-16. Review status: criteria provided, single submitter. Criteria: Invitae Variant Classification Sherloc (09022015). Collection method: clinical testing. Allele origin: germline.
Comment: This sequence change replaces glycine, which is neutral and non-polar, with aspartic acid, which is acidic and polar, at codon 200 of the MEN1 protein (p.Gly200Asp). This variant is not present in population databases (gnomAD no frequency). This variant has not been reported in the literature in individuals affected with MEN1-related conditions. Advanced modeling of protein sequence and biophysical properties (such as structural, functional, and spatial information, amino acid conservation, physicochemical variation, residue mobility, and thermodynamic stability) performed at Invitae indicates that this missense variant is expected to disrupt MEN1 protein function with a positive predictive value of 95%. In summary, the available evidence is currently insufficient to determine the role of this variant in disease. Therefore, it has been classified as a Variant of Uncertain Significance.